The following is an entry in ClinVar:

ClinVar aggregate classification (germline): Uncertain significance. Review status: criteria provided, multiple submitters, no conflicts (2 of 4 stars). 7 submissions from 7 submitters: Uncertain significance (5). 2 of the submissions do not count toward it. Last evaluated 2025-06-25.

Conditions:
Hereditary cancer-predisposing syndrome. Also called: Tumor predisposition; Hereditary neoplastic syndrome; Neoplastic Syndromes, Hereditary; Hereditary Cancer Syndrome. Identifiers: Orphanet 140162, MedGen C0027672, MeSH D009386, MONDO:0015356.
Bloom syndrome (BLM). Also called: Bloom-Torre-Machacek syndrome. Identifiers: Orphanet 125, MedGen C0005859, MONDO:0008876, OMIM 210900.

Allele frequency attached by ClinVar (database versions not stated): gnomAD exomes 0.00001; ExAC 0.00002; gnomAD 0.00002; TOPMed 0.00002; ESP Exome Variant Server 0.00008.
gnomAD v4.1: 17 of 1,522,586 alleles (0.0011%); highest among the groups gnomAD compares: Admixed American, 0.0046%; no homozygotes.

Submissions (7):

GeneDx
Classification: Uncertain significance. Last evaluated: 2025-06-25. Review status: criteria provided, single submitter. Criteria: GeneDx Variant Classification Process June 2021. Collection method: clinical testing. Allele origin: germline. Affected: yes.
Comment: Not observed at significant frequency in large population cohorts (gnomAD); In silico analysis suggests that this missense variant does not alter protein structure/function; Has not been previously published as pathogenic or benign to our knowledge; This variant is associated with the following publications: (PMID: 24728327)

Labcorp Genetics (formerly Invitae), Labcorp
Classification: Uncertain significance for Bloom syndrome. Last evaluated: 2025-01-29. Review status: criteria provided, single submitter. Criteria: Invitae Variant Classification Sherloc (09022015). Collection method: clinical testing. Allele origin: germline.
Comment: This sequence change replaces tyrosine, which is neutral and polar, with phenylalanine, which is neutral and non-polar, at codon 626 of the BLM protein (p.Tyr626Phe). This variant is present in population databases (rs374569385, gnomAD 0.005%). This variant has not been reported in the literature in individuals affected with BLM-related conditions. ClinVar contains an entry for this variant (Variation ID: 133714). Invitae Evidence Modeling of protein sequence and biophysical properties (such as structural, functional, and spatial information, amino acid conservation, physicochemical variation, residue mobility, and thermodynamic stability) indicates that this missense variant is not expected to disrupt BLM protein function with a negative predictive value of 80%. In summary, the available evidence is currently insufficient to determine the role of this variant in disease. Therefore, it has been classified as a Variant of Uncertain Significance.

Ambry Genetics
Classification: Uncertain significance for Hereditary cancer-predisposing syndrome. Last evaluated: 2023-07-06. Review status: criteria provided, single submitter. Criteria: Ambry Variant Classification Scheme 2023. Collection method: clinical testing. Allele origin: germline.
Comment: The p.Y626F variant (also known as c.1877A>T), located in coding exon 6 of the BLM gene, results from an A to T substitution at nucleotide position 1877. The tyrosine at codon 626 is replaced by phenylalanine, an amino acid with highly similar properties. This amino acid position is not well conserved in available vertebrate species. In addition, this alteration is predicted to be tolerated by in silico analysis. Since supporting evidence is limited at this time, the clinical significance of this alteration remains unclear.

Women's Health and Genetics/Laboratory Corporation of America, LabCorp
Classification: Uncertain significance. Last evaluated: 2023-05-01. Review status: criteria provided, single submitter. Criteria: LabCorp Variant Classification Summary - May 2015. Collection method: clinical testing. Allele origin: germline.
Comment: Variant summary: BLM c.1877A>T (p.Tyr626Phe) results in a conservative amino acid change located in the BDHCT-box associated domain (IPR032439) of the encoded protein sequence. Five of five in-silico tools predict a benign effect of the variant on protein function. The variant allele was found at a frequency of 1e-05 in 195556 control chromosomes. The available data on variant occurrences in the general population are insufficient to allow any conclusion about variant significance. c.1877A>T has been reported in the literature in a cohort of healthy individuals with no personal or family history indicative of a highly penetrant cancer-predisposing germline mutation (Bodian_2014). To our knowledge, no occurrences of the variant in individuals affected with Bloom Syndrome and no experimental evidence demonstrating an impact on protein function have been reported. The following publication has been ascertained in the context of this evaluation (PMID: 24728327). Four clinical diagnostic laboratories have submitted clinical-significance assessments for this variant to ClinVar after 2014 and all classified the variant as uncertain significance. Based on the evidence outlined above, the variant was classified as uncertain significance.

Sema4
Classification: Uncertain significance for Hereditary cancer-predisposing syndrome. Last evaluated: 2021-06-25. Review status: criteria provided, single submitter. Criteria: Sema4 Curation Guidelines. Collection method: curation. Allele origin: germline.
Comment: To the best of our knowledge, the BLM c.1877A>T (p.Y626F) has not been reported in individuals with BLM-related disease. It was observed in 1/20082 chromosomes of the Latino subpopulation in the large and broad cohorts of the Genome Aggregation Database. The variant has been reported in ClinVar (Variation ID: 133714). In silico tools suggest the impact of the variant on protein function is benign, though these predictions have not been confirmed by functional studies. The evidence is insufficient to meet ACMG/AMP criteria for classifying the variant as benign or pathogenic. Thus, the clinical significance of this variant is currently uncertain.

Natera, Inc.
Classification: Uncertain significance for Bloom syndrome. Last evaluated: 2020-09-16. Review status: no assertion criteria provided. Collection method: clinical testing. Allele origin: germline. Not counted in ClinVar's aggregate classification.

ITMI
No classification provided. Condition: AllHighlyPenetrant. Last evaluated: 2013-09-19. Review status: no classification provided. Collection method: reference population. Allele origin: germline. Not counted in ClinVar's aggregate classification.
Comment: Please see associated publication for description of ethnicities

Literature cited by the submitters: PubMed 24728327 (cited by 3 submitters).

NM_000057.4(BLM):c.1877A>T (p.Tyr626Phe)

Gene: BLM (BLM RecQ like helicase; plus strand). Cytogenetic location: 15q26.1.
Variant type: single nucleotide variant.
Coding change: c.1877A>T on transcript NM_000057.4 (MANE Select); coding-DNA position 1877, A replaced by T.
Protein change: p.Tyr626Phe; replaces tyrosine 626 with phenylalanine.
Molecular consequence: missense variant.
Genome position (GRCh38, 1-based): chr15:90,761,250, A>T. VCF-style: chr15-90761250-A-T. GRCh37 (hg19) VCF-style: chr15-91304480-A-T.
Other names: c.1877A>T, p.Tyr626Phe (NM_001287246.2, NM_001287247.2); c.752A>T, p.Tyr251Phe (NM_001287248.2); short protein forms Y626F, Y251F.
Identifiers: ClinVar variation 133714 (VCV000133714.17), dbSNP rs374569385, ClinGen allele CA157445.